The following is an entry in ClinVar:

ClinVar aggregate classification (germline): Uncertain significance (1 of 4 stars; one submission).

Submission:

GeneDx
Classification: Uncertain significance. Last evaluated: 2024-08-28. Review status: criteria provided, single submitter. Criteria: GeneDx Variant Classification Process June 2021. Collection method: clinical testing. Allele origin: germline. Affected: yes.
Comment: Not observed at significant frequency in large population cohorts (gnomAD); In silico analysis supports that this missense variant has a deleterious effect on protein structure/function; Has not been previously published as pathogenic or benign to our knowledge; This variant is associated with the following publications: (PMID: 26807690)

NM_001927.4(DES):c.613G>C (p.Glu205Gln)

Gene: DES (desmin; plus strand). Cytogenetic location: 2q35.
Variant type: single nucleotide variant.
Coding change: c.613G>C on transcript NM_001927.4 (MANE Select); coding-DNA position 613, G replaced by C.
Protein change: p.Glu205Gln; replaces glutamic acid 205 with glutamine.
Molecular consequence: missense variant. On other transcripts: intron variant (1).
Genome position (GRCh38, 1-based): chr2:219,420,129, G>C. VCF-style: chr2-219420129-G-C. GRCh37 (hg19) VCF-style: chr2-220284851-G-C.
Other names: c.613G>C, p.Glu205Gln (NM_001382708.1, NM_001382709.1, NM_001382710.1 and 2 more transcripts); c.496-396G>C (NM_001382713.1); short protein forms E205Q.
Identifiers: ClinVar variation 3766147 (VCV003766147.1).